The following is an entry in ClinVar:

ClinVar aggregate classification (germline): Likely benign. Review status: criteria provided, multiple submitters, no conflicts (2 of 4 stars). 3 submissions from 3 submitters: Likely benign (3). Last evaluated 2025-03-29.

Conditions:
Cardiomyopathy (CMYO). Also called: Cardiomyopathies. Identifiers: Orphanet 167848, MedGen C0878544, MONDO:0004994, HP:0001638. Inheritance: Various modes of inheritance.
Arrhythmogenic right ventricular cardiomyopathy (ARVD). Also called: Arrhythmogenic cardiomyopathy; Cardiomyopathy, ARVC; Arrhythmogenic right ventricular dysplasia; Arrhythmogenic Right Ventricular Cardiomyopathy (ARVC). Identifiers: Orphanet 247, MedGen C0349788, MeSH D019571, MONDO:0016587. Disease mechanism: loss of function. Inheritance: Various modes of inheritance.
Arrhythmogenic right ventricular dysplasia 9 (ARVD9). Also called: Arrhythmogenic Right Ventricular Dysplasia/Cardiomyopathy 9; ARRHYTHMOGENIC RIGHT VENTRICULAR DYSPLASIA, FAMILIAL, 9. Identifiers: MedGen C1836906, MONDO:0012180, OMIM 609040.

Allele frequency attached by ClinVar (database versions not stated): TOPMed below 0.00001; gnomAD 0.00001.
gnomAD v4.1: 1 of 1,599,004 alleles (0.000063%); highest among the groups gnomAD compares: East Asian, 0.0023%; no homozygotes.

Submissions (3):

Labcorp Genetics (formerly Invitae), Labcorp
Classification: Likely benign for Arrhythmogenic right ventricular dysplasia 9. Last evaluated: 2025-03-29. Review status: criteria provided, single submitter. Criteria: Invitae Variant Classification Sherloc (09022015). Collection method: clinical testing. Allele origin: germline.

All of Us Research Program, National Institutes of Health
Classification: Likely benign for Arrhythmogenic right ventricular cardiomyopathy. Last evaluated: 2022-11-30. Review status: criteria provided, single submitter. Criteria: ACMG Guidelines, 2015. Collection method: clinical testing. Allele origin: germline. Inheritance: Autosomal dominant inheritance. Observed: 1 variant allele, 1 heterozygote.
Comment: This study involves interpretation of variants in research participants for the purpose of population health screening. Participant phenotype was not available at the time of variant classification. Additional details can be found in publication PMID: 35346344, PMCID: PMC8962531

Color Diagnostics, LLC DBA Color Health
Classification: Likely benign for Cardiomyopathy. Last evaluated: 2019-09-30. Review status: criteria provided, single submitter. Criteria: ACMG Guidelines, 2015. Collection method: clinical testing. Allele origin: germline.

NM_001005242.3(PKP2):c.2168-5T>C

Gene: PKP2 (plakophilin 2; minus strand). Cytogenetic location: 12p11.21.
Variant type: single nucleotide variant.
Coding change: c.2168-5T>C on transcript NM_001005242.3 (MANE Select); 5 bases into the intron before coding-DNA position 2168, T replaced by C.
Molecular consequence: intron variant.
Genome position (GRCh38, 1-based): chr12:32,796,303, A>G on the plus strand (T>C on the coding strand, the complement: PKP2 is on the minus strand). VCF-style: chr12-32796303-A-G. GRCh37 (hg19) VCF-style: chr12-32949237-A-G.
Other names: c.2300-5T>C (NM_004572.4).
Identifiers: ClinVar variation 924826 (VCV000924826.6), dbSNP rs1227875716, ClinGen allele CA687431197.